The following is an entry in ClinVar:

ClinVar aggregate classification (germline): Uncertain significance (1 of 4 stars; one submission).

Submission:

Labcorp Genetics (formerly Invitae), Labcorp
Classification: Uncertain significance. Last evaluated: 2024-07-25. Review status: criteria provided, single submitter. Criteria: Invitae Variant Classification Sherloc (09022015). Collection method: clinical testing. Allele origin: germline.
Comment: This sequence change affects codon 174 of the BGN mRNA. It is a 'silent' change, meaning that it does not change the encoded amino acid sequence of the BGN protein. This variant is not present in population databases (gnomAD no frequency). This variant has not been reported in the literature in individuals affected with BGN-related conditions. Algorithms developed to predict the effect of sequence changes on RNA splicing suggest that this variant may create or strengthen a splice site. In summary, the available evidence is currently insufficient to determine the role of this variant in disease. Therefore, it has been classified as a Variant of Uncertain Significance.

NM_001711.6(BGN):c.522G>A (p.Val174=)

Gene: BGN (biglycan; plus strand). Cytogenetic location: Xq28.
Variant type: single nucleotide variant.
Coding change: c.522G>A on transcript NM_001711.6 (MANE Select); coding-DNA position 522, G replaced by A.
Protein change: p.Val174=; no amino-acid change (valine 174 retained).
Molecular consequence: synonymous variant.
Genome position (GRCh38, 1-based): chrX:153,506,033, G>A. VCF-style: chrX-153506033-G-A. GRCh37 (hg19) VCF-style: chrX-152771491-G-A.
Identifiers: ClinVar variation 3660604 (VCV003660604.2).